The following is an entry in ClinVar:

NM_173354.5(SIK1):c.2242C>T (p.Arg748Cys)

Gene: SIK1 (salt inducible kinase 1; minus strand). Cytogenetic location: 21q22.3.
Variant type: single nucleotide variant.
Coding change: c.2242C>T on transcript NM_173354.5 (MANE Select); coding-DNA position 2242, C replaced by T.
Protein change: p.Arg748Cys; replaces arginine 748 with cysteine.
Molecular consequence: missense variant.
Genome position (GRCh38, 1-based): chr21:43,416,852, G>A on the plus strand (C>T on the coding strand, the complement: SIK1 is on the minus strand). VCF-style: chr21-43416852-G-A. GRCh37 (hg19) VCF-style: chr21-44836732-G-A.
Other names: short protein forms R748C.
Identifiers: ClinVar variation 476103 (VCV000476103.10), dbSNP rs768404256, ClinGen allele CA321324287.

ClinVar aggregate classification (germline): Uncertain significance. Review status: criteria provided, multiple submitters, no conflicts (2 of 4 stars). 2 submissions from 2 submitters: Uncertain significance (2). Last evaluated 2024-03-01.

Conditions:
Developmental and epileptic encephalopathy, 30 (DEE30). Also called: Epileptic encephalopathy, early infantile, 30. Identifiers: MedGen C4225360, MONDO:0014595, OMIM 616341.
Inborn genetic diseases. Identifiers: MedGen C0950123, MeSH D030342.

Allele frequency attached by ClinVar (database versions not stated): gnomAD exomes 0.00002; ExAC 0.00005.

Submissions (2):

Labcorp Genetics (formerly Invitae), Labcorp
Classification: Uncertain significance for Developmental and epileptic encephalopathy, 30. Last evaluated: 2024-03-01. Review status: criteria provided, single submitter. Criteria: Invitae Variant Classification Sherloc (09022015). Collection method: clinical testing. Allele origin: germline.
Comment: This sequence change replaces arginine, which is basic and polar, with cysteine, which is neutral and slightly polar, at codon 748 of the SIK1 protein (p.Arg748Cys). This variant is present in population databases (rs768404256, gnomAD 0.006%). This variant has not been reported in the literature in individuals affected with SIK1-related conditions. ClinVar contains an entry for this variant (Variation ID: 476103). Advanced modeling of protein sequence and biophysical properties (such as structural, functional, and spatial information, amino acid conservation, physicochemical variation, residue mobility, and thermodynamic stability) performed at Invitae indicates that this missense variant is not expected to disrupt SIK1 protein function with a negative predictive value of 95%. In summary, the available evidence is currently insufficient to determine the role of this variant in disease. Therefore, it has been classified as a Variant of Uncertain Significance.

Ambry Genetics
Classification: Uncertain significance for Inborn genetic diseases. Last evaluated: 2022-06-10. Review status: criteria provided, single submitter. Criteria: Ambry Variant Classification Scheme 2023. Collection method: clinical testing. Allele origin: germline.